The following is an entry in ClinVar:

NM_002528.7(NTHL1):c.489G>A (p.Thr163=)

Gene: NTHL1 (nth like DNA glycosylase 1; minus strand). Cytogenetic location: 16p13.3.
Variant type: single nucleotide variant.
Coding change: c.489G>A on transcript NM_002528.7 (MANE Select); coding-DNA position 489, G replaced by A.
Protein change: p.Thr163=; no amino-acid change (threonine 163 retained).
Molecular consequence: synonymous variant. On other transcripts: intron variant (1).
Genome position (GRCh38, 1-based): chr16:2,044,666, C>T on the plus strand (G>A on the coding strand, the complement: NTHL1 is on the minus strand). VCF-style: chr16-2044666-C-T. GRCh37 (hg19) VCF-style: chr16-2094667-C-T.
Other names: c.159G>A, p.Thr53= (NM_001318194.2); c.355-940G>A (NM_001318193.2).
Identifiers: ClinVar variation 762962 (VCV000762962.21), dbSNP rs760491144, ClinGen allele CA7828242.
Genomic context (GRCh38, chr16:2,044,666, plus strand): 5'-CCCGTTGCCACAGGCAGGGCTCACCCTCCAGAAACCGACGGGGTAGATGAGCTTGCCCAG[C>T]GTGGCATCATCTGTCTGCAGGATGCTGTCCACCGTCAGGCCCCGCGCCCGCAGTCGCTGC-3'
Protein context (NP_002519.2, residues 153-173): VDSILQTDDA[Thr163=]LGKLIYPVGF

ClinVar aggregate classification (germline): Likely benign. Review status: criteria provided, multiple submitters, no conflicts (2 of 4 stars). 5 submissions from 5 submitters: Likely benign (4). 1 of the submissions does not count toward it. Last evaluated 2025-12-23.

Conditions:
NTHL1-related disorder. Also called: NTHL1-related conditions; NTHL1-related condition.
Hereditary cancer-predisposing syndrome. Also called: Tumor predisposition; Neoplastic Syndromes, Hereditary; Hereditary Cancer Syndrome; Hereditary neoplastic syndrome. Identifiers: Orphanet 140162, MedGen C0027672, MeSH D009386, MONDO:0015356.

Allele frequency attached by ClinVar (database versions not stated): ExAC 0.00003; TOPMed 0.00006; gnomAD 0.00008.
gnomAD v4.1: 86 of 1,609,874 alleles (0.0053%); highest among the groups gnomAD compares: East Asian, 0.022%; no homozygotes.

Submissions (5):

Labcorp Genetics (formerly Invitae), Labcorp
Classification: Likely benign. Last evaluated: 2025-12-23. Review status: criteria provided, single submitter. Criteria: Invitae Variant Classification Sherloc (09022015). Collection method: clinical testing. Allele origin: germline.

Sema4
Classification: Likely benign for Hereditary cancer-predisposing syndrome. Last evaluated: 2021-09-02. Review status: criteria provided, single submitter. Criteria: Sema4 Curation Guidelines. Collection method: curation. Allele origin: germline.

GeneDx
Classification: Likely benign. Last evaluated: 2020-08-19. Review status: criteria provided, single submitter. Criteria: GeneDx Variant Classification Process June 2021. Collection method: clinical testing. Allele origin: germline. Affected: yes.

Ambry Genetics
Classification: Likely benign for Hereditary cancer-predisposing syndrome. Last evaluated: 2018-11-10. Review status: criteria provided, single submitter. Criteria: Ambry Variant Classification Scheme 2023. Collection method: clinical testing. Allele origin: germline.

PreventionGenetics, part of Exact Sciences
Classification: Likely benign for NTHL1-related condition. Last evaluated: 2023-12-14. Review status: no assertion criteria provided. Collection method: clinical testing. Allele origin: germline. Not counted in ClinVar's aggregate classification.
Comment: This variant is classified as likely benign based on ACMG/AMP sequence variant interpretation guidelines (Richards et al. 2015 PMID: 25741868, with internal and published modifications).